The following is an entry in ClinVar:

ClinVar aggregate classification (germline): Likely benign. Review status: criteria provided, single submitter (1 of 4 stars). 2 submissions from 2 submitters: Likely benign (1). 1 of the submissions does not count toward it. Last evaluated 2026-01-09.

Conditions:
Kleefstra syndrome 1 (KLEFS1). Identifiers: Orphanet 261494, MedGen C0795833, MONDO:0027407, OMIM 610253.
EHMT1-related disorder. Also called: EHMT1-related condition.

Allele frequency attached by ClinVar (database versions not stated): TOPMed 0.00025; gnomAD 0.00003 and 0.00017; gnomAD exomes 0.00002; ExAC 0.00003.
gnomAD v4.1: 48 of 1,608,984 alleles (0.003%); highest among the groups gnomAD compares: South Asian, 0.0066%; 2 homozygotes.

Submissions (2):

Labcorp Genetics (formerly Invitae), Labcorp
Classification: Likely benign for Kleefstra syndrome 1. Last evaluated: 2026-01-09. Review status: criteria provided, single submitter. Criteria: Invitae Variant Classification Sherloc (09022015). Collection method: clinical testing. Allele origin: germline.

PreventionGenetics, part of Exact Sciences
Classification: Likely benign for EHMT1-related condition. Last evaluated: 2019-04-05. Review status: no assertion criteria provided. Collection method: clinical testing. Allele origin: germline. Not counted in ClinVar's aggregate classification.
Comment: This variant is classified as likely benign based on ACMG/AMP sequence variant interpretation guidelines (Richards et al. 2015 PMID: 25741868, with internal and published modifications).

NM_024757.5(EHMT1):c.3716+9C>T

Gene: EHMT1 (euchromatic histone lysine methyltransferase 1; plus strand). Cytogenetic location: 9q34.3.
Variant type: single nucleotide variant.
Coding change: c.3716+9C>T on transcript NM_024757.5 (MANE Select); 9 bases into the intron after coding-DNA position 3716, C replaced by T.
Molecular consequence: intron variant.
Genome position (GRCh38, 1-based): chr9:137,834,533, C>T. VCF-style: chr9-137834533-C-T. GRCh37 (hg19) VCF-style: chr9-140728985-C-T.
Other names: c.3695+9C>T (NM_001354263.2).
Identifiers: ClinVar variation 531863 (VCV000531863.14), dbSNP rs777993644, ClinGen allele CA5375429.